The following is an entry in ClinVar:

NM_003356.4(UCP3):c.541+3A>G

Gene: UCP3 (uncoupling protein 3; minus strand). Cytogenetic location: 11q13.4.
Variant type: single nucleotide variant.
Coding change: c.541+3A>G on transcript NM_003356.4 (MANE Select); 3 bases into the intron after coding-DNA position 541, A replaced by G.
Molecular consequence: intron variant.
Genome position (GRCh38, 1-based): chr11:74,005,727, T>C on the plus strand (A>G on the coding strand, the complement: UCP3 is on the minus strand). VCF-style: chr11-74005727-T-C. GRCh37 (hg19) VCF-style: chr11-73716772-T-C.
Other names: c.541+3A>G (NM_022803.3, NM_003356.3).
Identifiers: ClinVar variation 2855666 (VCV002855666.5), dbSNP rs548098976, ClinGen allele CA6181460.

ClinVar aggregate classification (germline): Likely benign. Review status: criteria provided, single submitter (1 of 4 stars). 2 submissions from 2 submitters: Likely benign (1). 1 of the submissions does not count toward it. Last evaluated 2025-11-10.

Conditions:
UCP3-related disorder. Also called: UCP3-related condition.

Allele frequency attached by ClinVar (database versions not stated): gnomAD 0.00006; TOPMed 0.00022; ExAC 0.00025.
gnomAD v4.1: 124 of 1,614,064 alleles (0.0077%); highest among the groups gnomAD compares: Admixed American, 0.15%; 1 homozygote.

Submissions (2):

Labcorp Genetics (formerly Invitae), Labcorp
Classification: Likely benign. Last evaluated: 2025-11-10. Review status: criteria provided, single submitter. Criteria: Invitae Variant Classification Sherloc (09022015). Collection method: clinical testing. Allele origin: germline.

PreventionGenetics, part of Exact Sciences
Classification: Likely benign for UCP3-related condition. Last evaluated: 2019-09-26. Review status: no assertion criteria provided. Collection method: clinical testing. Allele origin: germline. Not counted in ClinVar's aggregate classification.
Comment: This variant is classified as likely benign based on ACMG/AMP sequence variant interpretation guidelines (Richards et al. 2015 PMID: 25741868, with internal and published modifications).